The following is an entry in ClinVar:

ClinVar aggregate classification (germline): Uncertain significance (1 of 4 stars; one submission).

Conditions:
Hereditary cancer-predisposing syndrome. Also called: Tumor predisposition; Hereditary Cancer Syndrome; Hereditary neoplastic syndrome; Neoplastic Syndromes, Hereditary. Identifiers: Orphanet 140162, MedGen C0027672, MeSH D009386, MONDO:0015356.

Submission:

Ambry Genetics
Classification: Uncertain significance for Hereditary cancer-predisposing syndrome. Last evaluated: 2024-05-28. Review status: criteria provided, single submitter. Criteria: Ambry Variant Classification Scheme 2023. Collection method: clinical testing. Allele origin: germline.
Comment: The c.2342_2356del15 variant (also known as p.P781_H785del) is located in coding exon 15 of the APC gene. This variant results from an in-frame deletion of 15 nucleotides (CCAAGGCATCTCATC) at positions 2342 to 2356. This results in the in-frame deletion of 5 amino acids (PKASH) at codons 781 to 785. These amino acid positions are well conserved in available vertebrate species. In addition, this alteration is predicted to be deleterious by in silico analysis (Choi Y et al. PLoS ONE. 2012; 7(10):e46688). Based on the available evidence, the clinical significance of this variant remains unclear.

NM_000038.6(APC):c.2342_2356del (p.Pro781_His785del)

Gene: APC (APC regulator of Wnt signaling pathway; plus strand). Cytogenetic location: 5q22.2.
Variant type: Deletion.
Coding change: c.2342_2356del on transcript NM_000038.6 (MANE Select); coding-DNA positions 2342 to 2356, 15 bases deleted (CCAAGGCATCTCATC).
Protein change: p.Pro781_His785del.
Molecular consequence: inframe deletion. On other transcripts: non-coding transcript variant (2).
Genome position (GRCh38, 1-based): chr5:112,837,936-112,837,950, CCAAGGCATCTCATC deleted; deleting any 15 consecutive bases within chr5:112,837,934-112,837,950 gives the same sequence; the c. name uses the placement nearest the transcript's 3' end. VCF-style (leftmost placement, unchanged base first): chr5-112837933-GTCCCAAGGCATCTCA-G. GRCh37 (hg19) VCF-style: chr5-112173630-GTCCCAAGGCATCTCA-G.
Other names: c.2342_2356del, p.Pro781_His785del (NM_001127510.3, NM_001354895.2, NM_001407450.1); c.2288_2302del, p.Pro763_His767del (NM_001127511.3); c.2396_2410del, p.Pro799_His803del (NM_001354896.2, NM_001407447.1, NM_001407448.1 and 1 more transcripts); c.2372_2386del, p.Pro791_His795del (NM_001354897.2); c.2267_2281del, p.Pro756_His760del (NM_001354898.2); c.2258_2272del, p.Pro753_His757del (NM_001354899.2); c.2219_2233del, p.Pro740_His744del (NM_001354900.2); c.2165_2179del, p.Pro722_His726del (NM_001354901.2, NM_001407453.1); and 11 more.
Identifiers: ClinVar variation 3305139 (VCV003305139.1).